The following is an entry in ClinVar:

ClinVar aggregate classification (germline): Uncertain significance (1 of 4 stars; one submission).

Allele frequency attached by ClinVar (database versions not stated): gnomAD exomes below 0.00001.
gnomAD v4.1: 1 of 1,613,028 alleles (0.000062%); highest among the groups gnomAD compares: Non-Finnish European, 0.000085%; no homozygotes.

Submission:

Labcorp Genetics (formerly Invitae), Labcorp
Classification: Uncertain significance. Last evaluated: 2022-03-11. Review status: criteria provided, single submitter. Criteria: Invitae Variant Classification Sherloc (09022015). Collection method: clinical testing. Allele origin: germline.
Comment: This sequence change replaces histidine, which is basic and polar, with asparagine, which is neutral and polar, at codon 1117 of the DNAH9 protein (p.His1117Asn). This variant is not present in population databases (gnomAD no frequency). This variant has not been reported in the literature in individuals affected with DNAH9-related conditions. Algorithms developed to predict the effect of missense changes on protein structure and function output the following: SIFT: "Tolerated"; PolyPhen-2: "Benign"; Align-GVGD: "Class C0". The asparagine amino acid residue is found in multiple mammalian species, which suggests that this missense change does not adversely affect protein function. In summary, the available evidence is currently insufficient to determine the role of this variant in disease. Therefore, it has been classified as a Variant of Uncertain Significance.

NM_001372.4(DNAH9):c.3349C>A (p.His1117Asn)

Genes: DNAH9 (dynein axonemal heavy chain 9; plus strand), LOC126862505 (BRD4-independent group 4 enhancer GRCh37_chr17:11572478-11573677; plus strand). Cytogenetic location: 17p12.
Variant type: single nucleotide variant.
Coding change: c.3349C>A on transcript NM_001372.4 (MANE Select); coding-DNA position 3349, C replaced by A.
Protein change: p.His1117Asn; replaces histidine 1117 with asparagine.
Molecular consequence: missense variant.
Genome position (GRCh38, 1-based): chr17:11,669,790, C>A. VCF-style: chr17-11669790-C-A. GRCh37 (hg19) VCF-style: chr17-11573107-C-A.
Other names: short protein forms H1117N.
Identifiers: ClinVar variation 2088700 (VCV002088700.4), dbSNP rs2544358761, ClinGen allele CA398183152.